The following is an entry in ClinVar:

NM_001999.4(FBN2):c.1196G>T (p.Gly399Val)

Gene: FBN2 (fibrillin 2; minus strand). Cytogenetic location: 5q23.3.
Variant type: single nucleotide variant.
Coding change: c.1196G>T on transcript NM_001999.4 (MANE Select); coding-DNA position 1196, G replaced by T.
Protein change: p.Gly399Val; replaces glycine 399 with valine.
Molecular consequence: missense variant.
Genome position (GRCh38, 1-based): chr5:128,395,157, C>A on the plus strand (G>T on the coding strand, the complement: FBN2 is on the minus strand). VCF-style: chr5-128395157-C-A. GRCh37 (hg19) VCF-style: chr5-127730850-C-A.
Other names: short protein forms G399V.
Identifiers: ClinVar variation 4255475 (VCV004255475.1).

ClinVar aggregate classification (germline): Uncertain significance (1 of 4 stars; one submission).

Conditions:
Familial thoracic aortic aneurysm and aortic dissection (TAAD). Also called: Thoracic aortic aneurysms and dissections. Identifiers: Orphanet 91387, MedGen C4707243, MONDO:0019625.

Submission:

Ambry Genetics
Classification: Uncertain significance for Familial thoracic aortic aneurysm and aortic dissection. Last evaluated: 2025-06-25. Review status: criteria provided, single submitter. Criteria: Ambry Variant Classification Scheme 2023. Collection method: clinical testing. Allele origin: germline.
Comment: The p.G399V variant (also known as c.1196G>T), located in coding exon 9 of the FBN2 gene, results from a G to T substitution at nucleotide position 1196. The glycine at codon 399 is replaced by valine, an amino acid with dissimilar properties. This amino acid position is well conserved in available vertebrate species. In addition, this alteration is predicted to be deleterious by in silico analysis. Based on the available evidence, the clinical significance of this variant remains unclear.